The following is an entry in ClinVar:

ClinVar aggregate classification (germline): Uncertain significance. Review status: criteria provided, multiple submitters, no conflicts (2 of 4 stars). 2 submissions from 2 submitters: Uncertain significance (2). Last evaluated 2025-03-11.

Submissions (2):

Labcorp Genetics (formerly Invitae), Labcorp
Classification: Uncertain significance. Last evaluated: 2025-03-11. Review status: criteria provided, single submitter. Criteria: Invitae Variant Classification Sherloc (09022015). Collection method: clinical testing. Allele origin: germline.
Comment: This sequence change falls in intron 23 of the ABCA4 gene. It does not directly change the encoded amino acid sequence of the ABCA4 protein. It affects a nucleotide within the consensus splice site. This variant is not present in population databases (gnomAD no frequency). This variant has not been reported in the literature in individuals affected with ABCA4-related conditions. Variants that disrupt the consensus splice site are a relatively common cause of aberrant splicing (PMID: 17576681, 9536098). Algorithms developed to predict the effect of sequence changes on RNA splicing suggest that this variant may disrupt the consensus splice site. In summary, the available evidence is currently insufficient to determine the role of this variant in disease. Therefore, it has been classified as a Variant of Uncertain Significance.

Blueprint Genetics
Classification: Uncertain significance. Last evaluated: 2023-09-04. Review status: criteria provided, single submitter. Criteria: ACMG Guidelines, 2015. Collection method: clinical testing. Allele origin: germline.

Literature cited by the submitters: PubMed 17576681 (cited by Labcorp Genetics (formerly Invitae), Labcorp); PubMed 9536098 (cited by Labcorp Genetics (formerly Invitae), Labcorp).

NM_000350.3(ABCA4):c.3522+5G>C

Gene: ABCA4 (ATP binding cassette subfamily A member 4; minus strand). Cytogenetic location: 1p22.1.
Variant type: single nucleotide variant.
Coding change: c.3522+5G>C on transcript NM_000350.3 (MANE Select); 5 bases into the intron after coding-DNA position 3522, G replaced by C.
Molecular consequence: intron variant.
Genome position (GRCh38, 1-based): chr1:94,041,204, C>G on the plus strand (G>C on the coding strand, the complement: ABCA4 is on the minus strand). VCF-style: chr1-94041204-C-G. GRCh37 (hg19) VCF-style: chr1-94506760-C-G.
Other names: c.3300+5G>C (NM_001425324.1).
Identifiers: ClinVar variation 4767711 (VCV004767711.2).